The following is an entry in ClinVar:

ClinVar aggregate classification (germline): Pathogenic. Review status: criteria provided, multiple submitters, no conflicts (2 of 4 stars). 8 submissions from 8 submitters: Pathogenic (6). 2 of the submissions do not count toward it. Last evaluated 2025-08-11.

Conditions:
GALC-related disorder. Also called: GALC-related condition.
Galactosylceramide beta-galactosidase deficiency. Also called: GALACTOCEREBROSIDASE DEFICIENCY; GALC DEFICIENCY; GLOBOID CELL LEUKOENCEPHALOPATHY; Leukodystrophy, Globoid Cell; Krabbe Disease. Identifiers: Orphanet 487, MedGen C0023521, MONDO:0009499, OMIM 245200.

Submissions (8):

Natera, Inc.
Classification: Pathogenic for Galactosylceramide beta-galactosidase deficiency. Last evaluated: 2025-08-11. Review status: criteria provided, single submitter. Criteria: Natera Variant Classification Schema (03/2026). Collection method: clinical testing. Allele origin: germline.
Comment: The c.1472delA variant in GALC is a frameshift variant predicted to shift the reading frame beginning at codon 491 and leads to a stop codon 62 codons downstream. This variant is expected to result in nonsense mediated decay, truncation, or a dysfunctional protein product. This variant is rare in the general population with a frequency below the threshold expected for the associated phenotype(s). This variant has been observed in one or more individuals affected with the associated recessive disease, as either homozygous or compound heterozygous with a second variant (PMID: 30777126). Functional studies show that this variant may disrupt protein function (PMID: 27638593). Given the available evidence, this variant is classified as Pathogenic.

PreventionGenetics, part of Exact Sciences
Classification: Pathogenic for GALC-related condition. Last evaluated: 2025-05-15. Review status: criteria provided, single submitter. Criteria: ACMG Guidelines, 2015. Collection method: clinical testing. Allele origin: germline.
Comment: The GALC c.1472delA variant is predicted to result in a frameshift and premature protein termination (p.Lys491Argfs*62). This variant, also reported in the literature as c.1424delA, was reported in individuals with Krabbe disease (Patient 22 in Beltran-Quintero et al. 2019. PubMed ID: 30777126; Patient 28 in Wenger et al. 1997. PubMed ID: 9338580). A functional study showed that this variant led to disruption of GALC activity (Saavedra-Matiz et al. 2016. PubMed ID: 27638593). This variant is reported in 0.032% of alleles in individuals of Latino descent in gnomAD. Frameshift variants in GALC are expected to be pathogenic. This variant is interpreted as pathogenic.

Labcorp Genetics (formerly Invitae), Labcorp
Classification: Pathogenic for Galactosylceramide beta-galactosidase deficiency. Last evaluated: 2025-03-18. Review status: criteria provided, single submitter. Criteria: Invitae Variant Classification Sherloc (09022015). Collection method: clinical testing. Allele origin: germline.
Comment: This sequence change creates a premature translational stop signal (p.Lys491Argfs*62) in the GALC gene. It is expected to result in an absent or disrupted protein product. Loss-of-function variants in GALC are known to be pathogenic (PMID: 7437911, 9272171, 16607461). This variant is present in population databases (rs771489305, gnomAD 0.04%). This premature translational stop signal has been observed in individuals with GALC-related conditions (PMID: 9338580). ClinVar contains an entry for this variant (Variation ID: 188826). For these reasons, this variant has been classified as Pathogenic.

Revvity Omics, Revvity
Classification: Pathogenic. Last evaluated: 2023-12-18. Review status: criteria provided, single submitter. Criteria: ACMG Guidelines, 2015. Collection method: clinical testing. Allele origin: germline.

GeneDx
Classification: Pathogenic. Last evaluated: 2022-01-10. Review status: criteria provided, single submitter. Criteria: GeneDx Variant Classification Process June 2021. Collection method: clinical testing. Allele origin: germline. Affected: yes.
Comment: Functional studies of this variant showed only residual GALC activity (Saavedra-Matiz et al., 2016); Frameshift variant predicted to result in protein truncation or nonsense mediated decay in a gene for which loss-of-function is a known mechanism of disease; This variant is associated with the following publications: (PMID: 27638593, 9338580)

Women's Health and Genetics/Laboratory Corporation of America, LabCorp
Classification: Pathogenic for Galactosylceramide beta-galactosidase deficiency. Last evaluated: 2021-03-19. Review status: criteria provided, single submitter. Criteria: LabCorp Variant Classification Summary - May 2015. Collection method: clinical testing. Allele origin: germline.
Comment: Variant summary: GALC c.1472delA (p.Lys491ArgfsX62) results in a premature termination codon, predicted to cause a truncation of the encoded protein or absence of the protein due to nonsense mediated decay, which are commonly known mechanisms for disease. Truncations downstream of this position have been classified as pathogenic by our laboratory. The variant allele was found at a frequency of 5.6e-05 in 248960 control chromosomes. c.1472delA has been reported in the literature in individuals affected with Krabbe Disease (e.g. Wenger_1997, Beltran-Quintero_2019). These data indicate that the variant may be associated with disease. At least one publication reports experimental evidence indicating that the variant results in reduced GALC activity when expressed in-vitro (e.g. Saavedra-Martiz_2016). Two other clinical diagnostic laboratories have submitted clinical-significance assessments for this variant to ClinVar after 2014 without evidence for independent evaluation. Both laboratories cited the variant as pathogenic. Based on the evidence outlined above, the variant was classified as pathogenic.

Counsyl
Classification: Pathogenic for Galactosylceramide beta-galactosidase deficiency. Last evaluated: 2014-06-10. Review status: no assertion criteria provided. Collection method: literature only. Allele origin: unknown. Inheritance: Autosomal recessive inheritance. Not counted in ClinVar's aggregate classification.

GeneReviews
No classification provided. Condition: Galactosylceramide beta-galactosidase deficiency. Review status: no classification provided. Collection method: literature only. Allele origin: germline. Not counted in ClinVar's aggregate classification.

Literature cited by the submitters: PubMed 30777126 (cited by Natera, Inc. and Women's Health and Genetics/Laboratory Corporation of America, LabCorp); PubMed 27638593 (cited by Natera, Inc. and Women's Health and Genetics/Laboratory Corporation of America, LabCorp); PubMed 7437911 (cited by Labcorp Genetics (formerly Invitae), Labcorp); PubMed 9272171 (cited by Labcorp Genetics (formerly Invitae), Labcorp); PubMed 16607461 (cited by Labcorp Genetics (formerly Invitae), Labcorp); PubMed 9338580 (cited by 3 submitters); PubMed 26795590 (cited by Women's Health and Genetics/Laboratory Corporation of America, LabCorp); PubMed 19302934 (cited by Counsyl).

NM_000153.4(GALC):c.1472del (p.Lys491fs)

Gene: GALC (galactosylceramidase; minus strand). Cytogenetic location: 14q31.3.
Variant type: Deletion.
Coding change: c.1472del on transcript NM_000153.4 (MANE Select); coding-DNA position 1472, one base deleted (A; older notation c.1472delA).
Protein change: p.Lys491fs; shifts the reading frame from lysine 491.
Molecular consequence: frameshift variant.
Genome position (GRCh38, 1-based): chr14:87,947,745, T deleted on the plus strand (A on the coding strand, the reverse complement: GALC is on the minus strand); the first of 2 consecutive T bases (chr14:87,947,745-87,947,746); deleting either gives the same sequence. VCF-style (leftmost placement, unchanged base first): chr14-87947744-CT-C. GRCh37 (hg19) VCF-style: chr14-88414088-CT-C.
Other names: c.1472del (NM_000153.3); c.1403del, p.Lys468fs (NM_001201401.2); c.1394del, p.Lys465fs (NM_001201402.2); short protein forms K468fs, K465fs, K491fs.
Identifiers: ClinVar variation 188826 (VCV000188826.23), dbSNP rs771489305, ClinGen allele CA274007.